The following is an entry in ClinVar:

ClinVar aggregate classification (germline): Likely benign (1 of 4 stars; one submission).

Conditions:
Peroxisome biogenesis disorder 5A (Zellweger) (PBD5A). Identifiers: Orphanet 912, MedGen C3553940, MONDO:0013932, OMIM 614866.

Allele frequency attached by ClinVar (database versions not stated): TOPMed 0.00343; gnomAD 0.00351 and 0.00372; 1000 Genomes Project 0.00379; 1000 Genomes Project 30x 0.00406.

Submission:

Illumina Laboratory Services, Illumina
Classification: Likely benign for Peroxisome biogenesis disorder 5A (Zellweger). Last evaluated: 2018-01-12. Review status: criteria provided, single submitter. Criteria: ICSL Variant Classification Criteria 13 December 2019. Collection method: clinical testing. Allele origin: germline.
Comment: This variant was observed in the ICSL laboratory as part of a predisposition screen in an ostensibly healthy population. It had not been previously curated by ICSL or reported in the Human Gene Mutation Database (HGMD: prior to June 1st, 2018), and was therefore a candidate for classification through an automated scoring system. Utilizing variant allele frequency, disease prevalence and penetrance estimates, and inheritance mode, an automated score was calculated to assess if this variant is too frequent to cause the disease. Based on the score and internal cut-off values, a variant classified as likely benign is not then subjected to further curation. The score for this variant resulted in a classification of likely benign for this disease.

NM_000318.3(PEX2):c.*2443A>G

Gene: PEX2 (peroxisomal biogenesis factor 2; minus strand). Cytogenetic location: 8q21.13.
Variant type: single nucleotide variant.
Coding change: c.*2443A>G on transcript NM_000318.3 (MANE Select); 2443 bases downstream of the stop codon, A replaced by G.
Molecular consequence: 3 prime UTR variant.
Genome position (GRCh38, 1-based): chr8:76,980,818, T>C on the plus strand (A>G on the coding strand, the complement: PEX2 is on the minus strand). VCF-style: chr8-76980818-T-C. GRCh37 (hg19) VCF-style: chr8-77893054-T-C.
Other names: c.*2443A>G (NM_001079867.2, NM_001172086.2, NM_001172087.2).
Identifiers: ClinVar variation 911071 (VCV000911071.4), dbSNP rs76770837, ClinGen allele CA179987969.